The following is an entry in ClinVar:

ClinVar aggregate classification (germline): Uncertain significance (1 of 4 stars; one submission).

Allele frequency attached by ClinVar (database versions not stated): gnomAD exomes below 0.00001; ExAC 0.00001; gnomAD 0.00001.

Submission:

Labcorp Genetics (formerly Invitae), Labcorp
Classification: Uncertain significance. Last evaluated: 2022-05-08. Review status: criteria provided, single submitter. Criteria: Invitae Variant Classification Sherloc (09022015). Collection method: clinical testing. Allele origin: germline.
Comment: In summary, the available evidence is currently insufficient to determine the role of this variant in disease. Therefore, it has been classified as a Variant of Uncertain Significance. This sequence change replaces methionine, which is neutral and non-polar, with threonine, which is neutral and polar, at codon 1001 of the SLC24A1 protein (p.Met1001Thr). This variant is present in population databases (rs752305089, gnomAD 0.002%). This variant has not been reported in the literature in individuals affected with SLC24A1-related conditions. Algorithms developed to predict the effect of missense changes on protein structure and function are either unavailable or do not agree on the potential impact of this missense change (SIFT: "Deleterious"; PolyPhen-2: "Probably Damaging"; Align-GVGD: "Class C0").

NM_004727.3(SLC24A1):c.3002T>C (p.Met1001Thr)

Gene: SLC24A1 (solute carrier family 24 member 1; plus strand). Cytogenetic location: 15q22.31.
Variant type: single nucleotide variant.
Coding change: c.3002T>C on transcript NM_004727.3 (MANE Select); coding-DNA position 3002, T replaced by C.
Protein change: p.Met1001Thr; replaces methionine 1001 with threonine.
Molecular consequence: missense variant.
Genome position (GRCh38, 1-based): chr15:65,652,760, T>C. VCF-style: chr15-65652760-T-C. GRCh37 (hg19) VCF-style: chr15-65945098-T-C.
Other names: c.983T>C, p.Met328Thr (NM_001254740.2); c.2912T>C, p.Met971Thr (NM_001301031.1); c.2948T>C, p.Met983Thr (NM_001301032.1, NM_001301033.2); c.2660T>C, p.Met887Thr (NM_001411142.1); short protein forms M328T, M971T, M1001T, M983T, M887T.
Identifiers: ClinVar variation 1900520 (VCV001900520.5), dbSNP rs752305089, ClinGen allele CA7620295.
Genomic context (GRCh38, chr15:65,652,760, plus strand): 5'-GCACATCAATTCCTGACCTCATCACCAGTGTGATTGTCGCTCGAAAAGGCCTGGGAGACA[T>C]GGCTGTGTCAAGCTCTGTGGGCAGTAACATATTTGATATCACTGTGGGGTGAGTGGCAAT-3'
Protein context (NP_004718.1, residues 991-1011): VIVARKGLGD[Met1001Thr]AVSSSVGSNI